The following is an entry in ClinVar:

NM_002206.3(ITGA7):c.1371G>A (p.Leu457=)

Gene: ITGA7 (integrin subunit alpha 7; minus strand). Cytogenetic location: 12q13.2.
Variant type: single nucleotide variant.
Coding change: c.1371G>A on transcript NM_002206.3 (MANE Select); coding-DNA position 1371, G replaced by A.
Protein change: p.Leu457=; no amino-acid change (leucine 457 retained).
Molecular consequence: synonymous variant.
Genome position (GRCh38, 1-based): chr12:55,697,733, C>T on the plus strand (G>A on the coding strand, the complement: ITGA7 is on the minus strand). VCF-style: chr12-55697733-C-T. GRCh37 (hg19) VCF-style: chr12-56091517-C-T.
Other names: c.1383G>A, p.Leu461= (NM_001144996.2, NM_001414029.1); c.1092G>A, p.Leu364= (NM_001144997.2); c.1044G>A, p.Leu348= (NM_001367993.1); c.27G>A, p.Leu9= (NM_001367994.1); c.1371G>A, p.Leu457= (NM_001374465.1, NM_001414034.1); c.1503G>A, p.Leu501= (NM_001410977.1); c.1296G>A, p.Leu432= (NM_001414030.1); c.1284G>A, p.Leu428= (NM_001414031.1); and 3 more.
Identifiers: ClinVar variation 3624896 (VCV003624896.3).

ClinVar aggregate classification (germline): Likely benign. Review status: criteria provided, multiple submitters, no conflicts (2 of 4 stars). 2 submissions from 2 submitters: Likely benign (2). Last evaluated 2026-08-01.

Conditions:
Congenital muscular dystrophy due to integrin alpha-7 deficiency. Also called: MYOPATHY, CONGENITAL, DUE TO INTEGRIN ALPHA-7 DEFICIENCY; Congenital muscular dystrophy with integrin alpha-7 deficiency; Muscular dystrophy, congenital, due to ITGA7 deficiency. Identifiers: Orphanet 34520, MedGen C2750786, MONDO:0013177, OMIM 613204.

gnomAD v4.1: 17 of 1,614,024 alleles (0.0011%); highest among the groups gnomAD compares: Admixed American, 0.0017%; no homozygotes.

Submissions (2):

CeGaT Center for Human Genetics Tuebingen
Classification: Likely benign. Last evaluated: 2026-08-01. Review status: criteria provided, single submitter. Criteria: CeGaT Center For Human Genetics Tuebingen Variant Classification Criteria Version 2. Collection method: clinical testing. Allele origin: germline. Affected: yes. Observed: 1 variant allele.
Comment: ITGA7: BP4, BP7

Labcorp Genetics (formerly Invitae), Labcorp
Classification: Likely benign for Congenital muscular dystrophy due to integrin alpha-7 deficiency. Last evaluated: 2024-02-16. Review status: criteria provided, single submitter. Criteria: Invitae Variant Classification Sherloc (09022015). Collection method: clinical testing. Allele origin: germline.